The following is an entry in ClinVar:

NM_032977.4(CASP10):c.*1955G>A

Gene: CASP10 (caspase 10; plus strand). Cytogenetic location: 2q33.1.
Variant type: single nucleotide variant.
Coding change: c.*1955G>A on transcript NM_032977.4 (MANE Select); 1955 bases downstream of the stop codon, G replaced by A.
Molecular consequence: 3 prime UTR variant. On other transcripts: intron variant (2).
Genome position (GRCh38, 1-based): chr2:201,219,696, G>A. VCF-style: chr2-201219696-G-A. GRCh37 (hg19) VCF-style: chr2-202084419-G-A.
Other names: c.*1955G>A (NM_001206524.2, NM_001230.5); c.*2610G>A (NM_032976.4); c.1416-9237G>A (NM_032974.5); c.1287-9237G>A (NM_001206542.2).
Identifiers: ClinVar variation 333470 (VCV000333470.5), dbSNP rs139807893, ClinGen allele CA10612363.

ClinVar aggregate classification (germline): Benign (1 of 4 stars; one submission).

Conditions:
Autoimmune lymphoproliferative syndrome type 2A (ALPS2A). Also called: CASP10-Related Autoimmune Lymphoproliferative Syndrome; AUTOIMMUNE LYMPHOPROLIFERATIVE SYNDROME, TYPE IIA; Autoimmune lymphoproliferative syndrome type 2. Identifiers: Orphanet 3261, MedGen C1858968, MONDO:0011383, OMIM 603909.

Allele frequency attached by ClinVar (database versions not stated): gnomAD exomes 0.00046; 1000 Genomes Project 30x 0.00187; gnomAD 0.00229 and 0.00249; 1000 Genomes Project 0.00240; TOPMed 0.00242.
gnomAD v4.1: 726 of 972,114 alleles (0.075%); highest among the groups gnomAD compares: African/African-American, 0.84%; 2 homozygotes.

Submission:

Illumina Laboratory Services, Illumina
Classification: Benign for Autoimmune lymphoproliferative syndrome type 2A. Last evaluated: 2018-01-12. Review status: criteria provided, single submitter. Criteria: ICSL Variant Classification Criteria 13 December 2019. Collection method: clinical testing. Allele origin: germline.
Comment: This variant was observed in the ICSL laboratory as part of a predisposition screen in an ostensibly healthy population. It had not been previously curated by ICSL or reported in the Human Gene Mutation Database (HGMD: prior to June 1st, 2018), and was therefore a candidate for classification through an automated scoring system. Utilizing variant allele frequency, disease prevalence and penetrance estimates, and inheritance mode, an automated score was calculated to assess if this variant is too frequent to cause the disease. Based on the score and internal cut-off values, a variant classified as benign is not then subjected to further curation. The score for this variant resulted in a classification of benign for this disease.